The following is an entry in ClinVar:

NM_018006.5(TRMU):c.980T>C (p.Met327Thr)

Gene: TRMU (tRNA mitochondrial 2-thiouridylase; plus strand). Cytogenetic location: 22q13.31.
Variant type: single nucleotide variant.
Coding change: c.980T>C on transcript NM_018006.5 (MANE Select); coding-DNA position 980, T replaced by C.
Protein change: p.Met327Thr; replaces methionine 327 with threonine.
Molecular consequence: missense variant. On other transcripts: non-coding transcript variant (2).
Genome position (GRCh38, 1-based): chr22:46,355,550, T>C. VCF-style: chr22-46355550-T-C. GRCh37 (hg19) VCF-style: chr22-46751447-T-C.
Other names: c.638T>C, p.Met213Thr (NM_001282782.2); c.560T>C, p.Met187Thr (NM_001282783.2, NM_001282784.2); c.980T>C, p.Met327Thr (NM_001282785.2); short protein forms M187T, M213T, M327T.
Identifiers: ClinVar variation 3345686 (VCV003345686.1).

ClinVar aggregate classification (germline): Uncertain significance (0 of 4 stars; one submission).

Conditions:
TRMU-related disorder. Also called: TRMU-related condition.

gnomAD v4.1: 2 of 1,613,318 alleles (0.00012%); highest among the groups gnomAD compares: Non-Finnish European, 0.00017%; no homozygotes.

Submission:

PreventionGenetics, part of Exact Sciences
Classification: Uncertain significance for TRMU-related condition. Last evaluated: 2024-03-28. Review status: no assertion criteria provided. Collection method: clinical testing. Allele origin: germline.
Comment: The TRMU c.980T>C variant is predicted to result in the amino acid substitution p.Met327Thr. To our knowledge, this variant has not been reported in the literature or in gnomAD, indicating this variant is rare. At this time, the clinical significance of this variant is uncertain due to the absence of conclusive functional and genetic evidence.